The following is an entry in ClinVar:

ClinVar aggregate classification (germline): Uncertain significance (1 of 4 stars; one submission).

Conditions:
Charcot-Marie-Tooth disease type 2. Also called: Charcot-Marie-Tooth type 2. Identifiers: Orphanet 64746, MedGen C0270914, MONDO:0018993.

Submission:

Labcorp Genetics (formerly Invitae), Labcorp
Classification: Uncertain significance for Charcot-Marie-Tooth disease type 2. Last evaluated: 2025-01-29. Review status: criteria provided, single submitter. Criteria: Invitae Variant Classification Sherloc (09022015). Collection method: clinical testing. Allele origin: germline.
Comment: This sequence change replaces leucine, which is neutral and non-polar, with glutamine, which is neutral and polar, at codon 682 of the AARS protein (p.Leu682Gln). This variant is not present in population databases (gnomAD no frequency). This variant has not been reported in the literature in individuals affected with AARS-related conditions. ClinVar contains an entry for this variant (Variation ID: 3018993). Invitae Evidence Modeling of protein sequence and biophysical properties (such as structural, functional, and spatial information, amino acid conservation, physicochemical variation, residue mobility, and thermodynamic stability) indicates that this missense variant is expected to disrupt AARS protein function with a positive predictive value of 95%. In summary, the available evidence is currently insufficient to determine the role of this variant in disease. Therefore, it has been classified as a Variant of Uncertain Significance.

NM_001605.3(AARS1):c.2045T>A (p.Leu682Gln)

Gene: AARS1 (alanyl-tRNA synthetase 1; minus strand). Cytogenetic location: 16q22.1.
Variant type: single nucleotide variant.
Coding change: c.2045T>A on transcript NM_001605.3 (MANE Select); coding-DNA position 2045, T replaced by A.
Protein change: p.Leu682Gln; replaces leucine 682 with glutamine.
Molecular consequence: missense variant.
Genome position (GRCh38, 1-based): chr16:70,258,165, A>T on the plus strand (T>A on the coding strand, the complement: AARS1 is on the minus strand). VCF-style: chr16-70258165-A-T. GRCh37 (hg19) VCF-style: chr16-70292068-A-T.
Other names: short protein forms L682Q.
Identifiers: ClinVar variation 3018993 (VCV003018993.3), dbSNP rs2506996330, ClinGen allele CA396557765.